The following is an entry in ClinVar:

ClinVar aggregate classification (germline): Uncertain significance. Review status: criteria provided, multiple submitters, no conflicts (2 of 4 stars). 2 submissions from 2 submitters: Uncertain significance (2). Last evaluated 2025-01-29.

Conditions:
Hereditary cancer-predisposing syndrome. Also called: Hereditary Cancer Syndrome; Hereditary neoplastic syndrome; Tumor predisposition; Neoplastic Syndromes, Hereditary. Identifiers: Orphanet 140162, MedGen C0027672, MeSH D009386, MONDO:0015356.
Hereditary breast ovarian cancer syndrome. Also called: Hereditary breast and ovarian cancer syndrome; BRCA1- and BRCA2-Associated Hereditary Breast and Ovarian Cancer; Breast and ovarian cancer; Hereditary breast and ovarian cancer; Hereditary breast and ovarian cancer syndrome (HBOC); Hereditary breast and/or ovarian cancer syndrome. Identifiers: Orphanet 145, MedGen C0677776, MeSH D061325, MONDO:0003582. Disease mechanism: loss of function.

Submissions (2):

Labcorp Genetics (formerly Invitae), Labcorp
Classification: Uncertain significance for Hereditary breast ovarian cancer syndrome. Last evaluated: 2025-01-29. Review status: criteria provided, single submitter. Criteria: Invitae Variant Classification Sherloc (09022015). Collection method: clinical testing. Allele origin: germline.
Comment: This sequence change replaces isoleucine, which is neutral and non-polar, with methionine, which is neutral and non-polar, at codon 492 of the BRCA1 protein (p.Ile492Met). This variant is not present in population databases (gnomAD no frequency). This variant has not been reported in the literature in individuals affected with BRCA1-related conditions. ClinVar contains an entry for this variant (Variation ID: 2905781). Invitae Evidence Modeling of protein sequence and biophysical properties (such as structural, functional, and spatial information, amino acid conservation, physicochemical variation, residue mobility, and thermodynamic stability) indicates that this missense variant is not expected to disrupt BRCA1 protein function with a negative predictive value of 80%. In summary, the available evidence is currently insufficient to determine the role of this variant in disease. Therefore, it has been classified as a Variant of Uncertain Significance.

Ambry Genetics
Classification: Uncertain significance for Hereditary cancer-predisposing syndrome. Last evaluated: 2024-06-21. Review status: criteria provided, single submitter. Criteria: Ambry Variant Classification Scheme 2023. Collection method: clinical testing. Allele origin: germline.
Comment: The p.I492M variant (also known as c.1476A>G), located in coding exon 9 of the BRCA1 gene, results from an A to G substitution at nucleotide position 1476. The isoleucine at codon 492 is replaced by methionine, an amino acid with highly similar properties. This amino acid position is not well conserved in available vertebrate species. In addition, the in silico prediction for this alteration is inconclusive. Based on the available evidence, the clinical significance of this variant remains unclear.

NM_007294.4(BRCA1):c.1476A>G (p.Ile492Met)

Gene: BRCA1 (BRCA1 DNA repair associated; minus strand). Cytogenetic location: 17q21.31.
Variant type: single nucleotide variant.
Coding change: c.1476A>G on transcript NM_007294.4 (MANE Select); coding-DNA position 1476, A replaced by G.
Protein change: p.Ile492Met; replaces isoleucine 492 with methionine.
Molecular consequence: missense variant. On other transcripts: intron variant (137).
Genome position (GRCh38, 1-based): chr17:43,094,055, T>C on the plus strand (A>G on the coding strand, the complement: BRCA1 is on the minus strand). VCF-style: chr17-43094055-T-C. GRCh37 (hg19) VCF-style: chr17-41246072-T-C.
Other names: c.1476A>G, p.Ile492Met (NM_001407585.1, NM_001407593.1, NM_001407594.1 and 30 more transcripts); c.1473A>G, p.Ile491Met (NM_001407587.1, NM_001407590.1, NM_001407591.1 and 22 more transcripts); c.1467A>G, p.Ile489Met (NM_001407646.1, NM_001407647.1); c.1353A>G, p.Ile451Met (NM_001407648.1, NM_001407664.1, NM_001407665.1 and 19 more transcripts); c.1350A>G, p.Ile450Met (NM_001407649.1, NM_001407670.1, NM_001407671.1 and 11 more transcripts); c.1398A>G, p.Ile466Met (NM_001407653.1, NM_001407654.1, NM_001407655.1 and 4 more transcripts); c.1395A>G, p.Ile465Met (NM_001407659.1, NM_001407660.1, NM_001407661.1 and 1 more transcripts); c.1335A>G, p.Ile445Met (NM_001407692.1, NM_001407694.1, NM_001407695.1 and 29 more transcripts); and 40 more; short protein forms I324M, I364M, I404M, I424M, I196M, I380M, I381M, I403M.
Identifiers: ClinVar variation 2905781 (VCV002905781.4), dbSNP rs2154444017, ClinGen allele CA10599096.